The following is an entry in ClinVar:

NM_005356.5(LCK):c.343T>C (p.Phe115Leu)

Gene: LCK (LCK proto-oncogene, Src family tyrosine kinase; plus strand). Cytogenetic location: 1p35.2.
Variant type: single nucleotide variant.
Coding change: c.343T>C on transcript NM_005356.5 (MANE Select); coding-DNA position 343, T replaced by C.
Protein change: p.Phe115Leu; replaces phenylalanine 115 with leucine.
Molecular consequence: missense variant.
Genome position (GRCh38, 1-based): chr1:32,275,385, T>C. VCF-style: chr1-32275385-T-C. GRCh37 (hg19) VCF-style: chr1-32740986-T-C.
Other names: c.343T>C, p.Phe115Leu (NM_001042771.3, NM_001330468.2); c.343T>C (NM_005356.3); short protein forms F115L.
Identifiers: ClinVar variation 1021516 (VCV001021516.8), dbSNP rs1429066934, ClinGen allele CA339636922.
Genomic context (GRCh38, chr1:32,275,385, plus strand): 5'-GGCGAGTGGTGGAAGGCGCAGTCCCTGACCACGGGCCAGGAAGGCTTCATCCCCTTCAAT[T>C]TTGTGGCCAAAGCGAACAGCCTGGAGCCCGAACCGTAAGTGGGGACCCGTCGTGGGGGTG-3'
Protein context (NP_005347.3, residues 105-125): TGQEGFIPFN[Phe115Leu]VAKANSLEPE

ClinVar aggregate classification (germline): Uncertain significance. Review status: criteria provided, multiple submitters, no conflicts (2 of 4 stars). 2 submissions from 2 submitters: Uncertain significance (2). Last evaluated 2024-12-24.

Conditions:
Severe combined immunodeficiency due to LCK deficiency. Also called: Immunodeficiency 22. Identifiers: Orphanet 280142, MedGen C4014233, MONDO:0014334, OMIM 615758.

Allele frequency attached by ClinVar (database versions not stated): gnomAD exomes below 0.00001; TOPMed below 0.00001; gnomAD 0.00001.
gnomAD v4.1: 8 of 1,613,972 alleles (0.0005%); highest among the groups gnomAD compares: Non-Finnish European, 0.00068%; no homozygotes.

Submissions (2):

Ambry Genetics
Classification: Uncertain significance. Last evaluated: 2024-12-24. Review status: criteria provided, single submitter. Criteria: Ambry Variant Classification Scheme 2023. Collection method: clinical testing. Allele origin: germline.

Labcorp Genetics (formerly Invitae), Labcorp
Classification: Uncertain significance for Severe combined immunodeficiency due to LCK deficiency. Last evaluated: 2020-09-16. Review status: criteria provided, single submitter. Criteria: Invitae Variant Classification Sherloc (09022015). Collection method: clinical testing. Allele origin: germline.
Comment: In summary, the available evidence is currently insufficient to determine the role of this variant in disease. Therefore, it has been classified as a Variant of Uncertain Significance. Algorithms developed to predict the effect of missense changes on protein structure and function are either unavailable or do not agree on the potential impact of this missense change (SIFT: "Deleterious"; PolyPhen-2: "Probably Damaging"; Align-GVGD: "Class C0"). This variant has not been reported in the literature in individuals with LCK-related conditions. This variant is not present in population databases (ExAC no frequency). This sequence change replaces phenylalanine with leucine at codon 115 of the LCK protein (p.Phe115Leu). The phenylalanine residue is highly conserved and there is a small physicochemical difference between phenylalanine and leucine.